The following is an entry in ClinVar:

ClinVar aggregate classification (germline): Uncertain significance (1 of 4 stars; one submission).

Submission:

Labcorp Genetics (formerly Invitae), Labcorp
Classification: Uncertain significance. Last evaluated: 2022-07-12. Review status: criteria provided, single submitter. Criteria: Invitae Variant Classification Sherloc (09022015). Collection method: clinical testing. Allele origin: germline.
Comment: In summary, the available evidence is currently insufficient to determine the role of this variant in disease. Therefore, it has been classified as a Variant of Uncertain Significance. Algorithms developed to predict the effect of missense changes on protein structure and function are either unavailable or do not agree on the potential impact of this missense change (SIFT: "Deleterious"; PolyPhen-2: "Probably Damaging"; Align-GVGD: "Class C0"). ClinVar contains an entry for this variant (Variation ID: 1375205). This variant has not been reported in the literature in individuals affected with SPEG-related conditions. This variant is not present in population databases (gnomAD no frequency). This sequence change replaces serine, which is neutral and polar, with cysteine, which is neutral and slightly polar, at codon 2465 of the SPEG protein (p.Ser2465Cys).

NM_005876.5(SPEG):c.7394C>G (p.Ser2465Cys)

Genes: ASIC4-AS1 (ASIC4 antisense RNA 1; minus strand), SPEG (striated muscle enriched protein kinase; plus strand). Cytogenetic location: 2q35.
Variant type: single nucleotide variant.
Coding change: c.7394C>G on transcript NM_005876.5 (MANE Select); coding-DNA position 7394, C replaced by G.
Protein change: p.Ser2465Cys; replaces serine 2465 with cysteine.
Molecular consequence: missense variant.
Genome position (GRCh38, 1-based): chr2:219,484,857, C>G. VCF-style: chr2-219484857-C-G. GRCh37 (hg19) VCF-style: chr2-220349579-C-G.
Other names: short protein forms S2465C.
Identifiers: ClinVar variation 1375205 (VCV001375205.8), dbSNP rs2125562129, ClinGen allele CA350702269.